The following is an entry in ClinVar:

NM_004370.6(COL12A1):c.8656T>C (p.Ser2886Pro)

Gene: COL12A1 (collagen type XII alpha 1 chain; minus strand). Cytogenetic location: 6q13.
Variant type: single nucleotide variant.
Coding change: c.8656T>C on transcript NM_004370.6 (MANE Select); coding-DNA position 8656, T replaced by C.
Protein change: p.Ser2886Pro; replaces serine 2886 with proline.
Molecular consequence: missense variant.
Genome position (GRCh38, 1-based): chr6:75,091,519, A>G on the plus strand (T>C on the coding strand, the complement: COL12A1 is on the minus strand). VCF-style: chr6-75091519-A-G. GRCh37 (hg19) VCF-style: chr6-75801235-A-G.
Other names: c.8656T>C, p.Ser2886Pro (NM_001424113.1); c.8635T>C, p.Ser2879Pro (NM_001424114.1); c.8383T>C, p.Ser2795Pro (NM_001424115.1); c.5164T>C, p.Ser1722Pro (NM_001424116.1, NM_080645.3); short protein forms S1722P, S2879P, S2886P, S2795P.
Identifiers: ClinVar variation 4794844 (VCV004794844.1).

ClinVar aggregate classification (germline): Uncertain significance (1 of 4 stars; one submission).

Conditions:
Ullrich congenital muscular dystrophy 2 (UCMD2). Identifiers: Orphanet 75840, MedGen C4225314, MONDO:0014654, OMIM 616470.
Bethlem myopathy 2 (BTHLM2). Identifiers: Orphanet 536516, Orphanet 610, MedGen C4225313, MONDO:0034022, OMIM 616471.

Submission:

Labcorp Genetics (formerly Invitae), Labcorp
Classification: Uncertain significance for Bethlem myopathy 2; Ullrich congenital muscular dystrophy 2. Last evaluated: 2025-05-30. Review status: criteria provided, single submitter. Criteria: Invitae Variant Classification Sherloc (09022015). Collection method: clinical testing. Allele origin: germline.
Comment: This sequence change replaces serine, which is neutral and polar, with proline, which is neutral and non-polar, at codon 2886 of the COL12A1 protein (p.Ser2886Pro). This variant is not present in population databases (gnomAD no frequency). This variant has not been reported in the literature in individuals affected with COL12A1-related conditions. An algorithm developed to predict the effect of missense changes on protein structure and function (PolyPhen-2) suggests that this variant is likely to be tolerated. In summary, the available evidence is currently insufficient to determine the role of this variant in disease. Therefore, it has been classified as a Variant of Uncertain Significance.